The following is an entry in ClinVar:

NM_006767.4(LZTR1):c.400+4A>G

Gene: LZTR1 (leucine zipper like post translational regulator 1; plus strand). Cytogenetic location: 22q11.21.
Variant type: single nucleotide variant.
Coding change: c.400+4A>G on transcript NM_006767.4 (MANE Select); 4 bases into the intron after coding-DNA position 400, A replaced by G.
Molecular consequence: intron variant.
Genome position (GRCh38, 1-based): chr22:20,987,587, A>G. VCF-style: chr22-20987587-A-G. GRCh37 (hg19) VCF-style: chr22-21341876-A-G.
Identifiers: ClinVar variation 847909 (VCV000847909.9), dbSNP rs1924441714, ClinGen allele CA916083785.

ClinVar aggregate classification (germline): Uncertain significance. Review status: criteria provided, multiple submitters, no conflicts (2 of 4 stars). 2 submissions from 2 submitters: Uncertain significance (2). Last evaluated 2025-03-04.

Conditions:
Cardiovascular phenotype. Identifiers: MedGen CN230736.
Hereditary cancer-predisposing syndrome. Also called: Tumor predisposition; Hereditary neoplastic syndrome; Neoplastic Syndromes, Hereditary; Hereditary Cancer Syndrome. Identifiers: Orphanet 140162, MedGen C0027672, MeSH D009386, MONDO:0015356.

gnomAD v4.1: 3 of 1,613,946 alleles (0.00019%); highest among the groups gnomAD compares: Non-Finnish European, 0.00025%; no homozygotes.

Submissions (2):

Ambry Genetics
Classification: Uncertain significance for Cardiovascular phenotype; Hereditary cancer-predisposing syndrome. Last evaluated: 2025-03-04. Review status: criteria provided, single submitter. Criteria: Ambry Variant Classification Scheme 2023. Collection method: clinical testing. Allele origin: germline.
Comment: The c.400+4A>G intronic variant results from an A to G substitution 4 nucleotides after coding exon 4 in the LZTR1 gene. This nucleotide position is highly conserved in available vertebrate species. In silico splice site analysis predicts that this alteration may weaken the native splice donor site. RNA studies have demonstrated that this alteration results in a splice defect; the clinical impact of this abnormal splicing is unknown at this time (Ambry internal data). Based on the available evidence, the clinical significance of this variant remains unclear.

Labcorp Genetics (formerly Invitae), Labcorp
Classification: Uncertain significance. Last evaluated: 2024-08-06. Review status: criteria provided, single submitter. Criteria: Invitae Variant Classification Sherloc (09022015). Collection method: clinical testing. Allele origin: germline.
Comment: This sequence change falls in intron 4 of the LZTR1 gene. It does not directly change the encoded amino acid sequence of the LZTR1 protein. It affects a nucleotide within the consensus splice site. This variant is not present in population databases (gnomAD no frequency). This variant has not been reported in the literature in individuals affected with LZTR1-related conditions. ClinVar contains an entry for this variant (Variation ID: 847909). Variants that disrupt the consensus splice site are a relatively common cause of aberrant splicing (PMID: 17576681, 9536098). Algorithms developed to predict the effect of sequence changes on RNA splicing suggest that this variant may disrupt the consensus splice site. In summary, the available evidence is currently insufficient to determine the role of this variant in disease. Therefore, it has been classified as a Variant of Uncertain Significance.

Literature cited by the submitters: PubMed 17576681 (cited by Labcorp Genetics (formerly Invitae), Labcorp); PubMed 9536098 (cited by Labcorp Genetics (formerly Invitae), Labcorp).